The following is an entry in ClinVar:

ClinVar aggregate classification (germline): not provided (0 of 4 stars; one submission).

Conditions:
Sphingomyelin/cholesterol lipidosis. Also called: Niemann-Pick disease. Identifiers: MedGen C0028064, MONDO:0001982.

Submission:

GeneReviews
No classification provided. Condition: Sphingomyelin/cholesterol lipidosis. Review status: no classification provided. Collection method: literature only. Allele origin: germline.
Comment: Associated with intermediate phenotypes with later-onset neuronopathic disease. Appears to be relatively common in persons of Czech & Slovak heritage.

Literature cited by the submitters: PubMed 15877209.

NM_000543.5(SMPD1):c.874C>A (p.Gln292Lys)

Gene: SMPD1 (sphingomyelin phosphodiesterase 1; plus strand). Cytogenetic location: 11p15.4.
Variant type: single nucleotide variant.
Coding change: c.874C>A on transcript NM_000543.5 (MANE Select); coding-DNA position 874, C replaced by A.
Protein change: p.Gln292Lys; replaces glutamine 292 with lysine.
Molecular consequence: missense variant. On other transcripts: 5 prime UTR variant (1), non-coding transcript variant (1).
Genome position (GRCh38, 1-based): chr11:6,391,939, C>A. VCF-style: chr11-6391939-C-A. GRCh37 (hg19) VCF-style: chr11-6413169-C-A.
Other names: NP_000534.3:p.Gln294Lys; c.871C>A, p.Gln291Lys (NM_001007593.3); c.874C>A, p.Gln292Lys (NM_001318087.2, NM_001365135.2); c.-88C>A (NM_001318088.2); short protein forms Q292K, Q291K.
Identifiers: ClinVar variation 203426 (VCV000203426.3), dbSNP rs797044799, ClinGen allele CA347289.